The following is an entry in ClinVar:

NM_012281.3(KCND2):c.1278+4C>T

Gene: KCND2 (potassium voltage-gated channel subfamily D member 2; plus strand). Cytogenetic location: 7q31.31.
Variant type: single nucleotide variant.
Coding change: c.1278+4C>T on transcript NM_012281.3 (MANE Select); 4 bases into the intron after coding-DNA position 1278, C replaced by T.
Molecular consequence: intron variant.
Genome position (GRCh38, 1-based): chr7:120,733,069, C>T. VCF-style: chr7-120733069-C-T. GRCh37 (hg19) VCF-style: chr7-120373123-C-T.
Identifiers: ClinVar variation 837167 (VCV000837167.10), dbSNP rs368783057, ClinGen allele CA4453609.

ClinVar aggregate classification (germline): Conflicting classifications of pathogenicity. Review status: criteria provided, conflicting classifications (1 of 4 stars). 4 submissions from 4 submitters: Uncertain significance (2); Likely benign (2). Last evaluated 2026-01-21.

Conditions:
KCND2-related disorder. Also called: KCND2-related condition.
Inborn genetic diseases. Identifiers: MedGen C0950123, MeSH D030342.
Early Myoclonic Encephalopathy. Identifiers: MedGen C0270855.

Allele frequency attached by ClinVar (database versions not stated): ESP Exome Variant Server 0.00038; gnomAD exomes 0.00047 and 0.00035; ExAC 0.00026; gnomAD 0.00030 and 0.00031; TOPMed 0.00037.
gnomAD v4.1: 723 of 1,612,992 alleles (0.045%); highest among the groups gnomAD compares: East Asian, 0.1%; no homozygotes.

Submissions (4):

Labcorp Genetics (formerly Invitae), Labcorp
Classification: Uncertain significance for Early Myoclonic Encephalopathy. Last evaluated: 2026-01-21. Review status: criteria provided, single submitter. Criteria: Invitae Variant Classification Sherloc (09022015). Collection method: clinical testing. Allele origin: germline.
Comment: This sequence change falls in intron 2 of the KCND2 gene. It does not directly change the encoded amino acid sequence of the KCND2 protein. It affects a nucleotide within the consensus splice site. This variant is present in population databases (rs368783057, gnomAD 0.06%), and has an allele count higher than expected for a pathogenic variant. This variant has not been reported in the literature in individuals affected with KCND2-related conditions. ClinVar contains an entry for this variant (Variation ID: 837167). Variants that disrupt the consensus splice site are a relatively common cause of aberrant splicing (PMID: 17576681, 9536098). Algorithms developed to predict the effect of sequence changes on RNA splicing suggest that this variant is not likely to affect RNA splicing. In summary, the available evidence is currently insufficient to determine the role of this variant in disease. Therefore, it has been classified as a Variant of Uncertain Significance.

PreventionGenetics, part of Exact Sciences
Classification: Likely benign for KCND2-related condition. Last evaluated: 2025-01-18. Review status: criteria provided, single submitter. Criteria: ACMG Guidelines, 2015. Collection method: clinical testing. Allele origin: germline.
Comment: This variant is classified as likely benign based on ACMG/AMP sequence variant interpretation guidelines (Richards et al. 2015 PMID: 25741868, with internal and published modifications).

Ambry Genetics
Classification: Likely benign for Inborn genetic diseases. Last evaluated: 2024-07-08. Review status: criteria provided, single submitter. Criteria: Ambry Variant Classification Scheme 2023. Collection method: clinical testing. Allele origin: germline.

Center for Genomics, Ann and Robert H. Lurie Children's Hospital of Chicago
Classification: Uncertain significance. Last evaluated: 2021-03-30. Review status: criteria provided, single submitter. Criteria: ACMG Guidelines, 2015. Collection method: clinical testing. Allele origin: germline.
Comment: KCND2 NM_012281.2 intron 2 c.1278+4C>T: This variant has not been reported in the literature but is present in 0.05% (40/68026) of European alleles in the Genome Aggregation Database. This variant is present in ClinVar (Variation ID:837167). Evolutionary conservation and computational predictive tools for this variant are limited or unavailable. This variant occurs in the splice region, computational prediction tools do not suggest that it alters splicing. However, further studies are needed to understand its impact. In summary, data on this variant is insufficient for disease classification. Therefore, the clinical significance of this variant is uncertain.

Literature cited by the submitters: PubMed 17576681 (cited by Labcorp Genetics (formerly Invitae), Labcorp); PubMed 9536098 (cited by Labcorp Genetics (formerly Invitae), Labcorp).